The following is an entry in ClinVar:

NC_000009.12:g.(?_100104498)_(100104627_?)del

Gene: INVS (inversin; plus strand). Cytogenetic location: 9q31.1.
Variant type: Deletion.
Identifiers: ClinVar variation 417554 (VCV000417554.1).

ClinVar aggregate classification (germline): Pathogenic (1 of 4 stars; one submission).

Conditions:
Nephronophthisis. Also called: Juvenile Nephronophthisis. Identifiers: Orphanet 655, MedGen C0687120, MONDO:0019005, HP:0000090.

Submission:

Labcorp Genetics (formerly Invitae), Labcorp
Classification: Pathogenic for Nephronophthisis. Last evaluated: 2016-08-14. Review status: criteria provided, single submitter. Criteria: Invitae Variant Classification Sherloc (09022015). Collection method: clinical testing. Allele origin: germline.
Comment: This variant is a gross deletion of the genomic region encompassing exon 2 of the INVS gene, which includes the initiator codon. The 5' end of this event is unknown as it extends beyond the assayed region for this gene and therefore may encompass additional genes. The 3' boundary is likely confined to intron 2 of the INVS gene. This is expected to result in an absent or disrupted protein product. While this deletion has not been reported in the literature, loss-of-function variants in INVS are known to be pathogenic (PMID: 12872123). For these reasons, this variant has been classified as Pathogenic.